The following is an entry in ClinVar:

NM_001009999.3(KDM1A):c.99C>G (p.Asn33Lys)

Gene: KDM1A (lysine demethylase 1A; plus strand). Cytogenetic location: 1p36.12.
Variant type: single nucleotide variant.
Coding change: c.99C>G on transcript NM_001009999.3 (MANE Select); coding-DNA position 99, C replaced by G.
Protein change: p.Asn33Lys; replaces asparagine 33 with lysine.
Molecular consequence: missense variant.
Genome position (GRCh38, 1-based): chr1:23,019,695, C>G. VCF-style: chr1-23019695-C-G. GRCh37 (hg19) VCF-style: chr1-23346188-C-G.
Other names: c.99C>G, p.Asn33Lys (NM_001363654.2, NM_001410762.1, NM_001410763.1 and 1 more transcripts); short protein forms N33K.
Identifiers: ClinVar variation 4858753 (VCV004858753.1).

ClinVar aggregate classification (germline): Uncertain significance (1 of 4 stars; one submission).

Conditions:
Inborn genetic diseases. Identifiers: MedGen C0950123, MeSH D030342.

Submission:

Ambry Genetics
Classification: Uncertain significance for Inborn genetic diseases. Last evaluated: 2026-06-02. Review status: criteria provided, single submitter. Criteria: Ambry Variant Classification Scheme 2023. Collection method: clinical testing. Allele origin: germline.
Comment: The p.N33K variant (also known as c.99C>G), located in coding exon 1 of the KDM1A gene, results from a C to G substitution at nucleotide position 99. The asparagine at codon 33 is replaced by lysine, an amino acid with similar properties. This amino acid position is conserved. In addition, this alteration is predicted to be tolerated by in silico analysis. Based on the available evidence, the clinical significance of this variant remains unclear.